The following is an entry in ClinVar:

NM_000384.3(APOB):c.1004T>C (p.Leu335Pro)

Gene: APOB (apolipoprotein B; minus strand). Cytogenetic location: 2p24.1.
Variant type: single nucleotide variant.
Coding change: c.1004T>C on transcript NM_000384.3 (MANE Select); coding-DNA position 1004, T replaced by C.
Protein change: p.Leu335Pro; replaces leucine 335 with proline.
Molecular consequence: missense variant.
Genome position (GRCh38, 1-based): chr2:21,033,419, A>G on the plus strand (T>C on the coding strand, the complement: APOB is on the minus strand). VCF-style: chr2-21033419-A-G. GRCh37 (hg19) VCF-style: chr2-21256291-A-G.
Other names: short protein forms L335P.
Identifiers: ClinVar variation 919756 (VCV000919756.5), dbSNP rs759295942, ClinGen allele CA042249.

ClinVar aggregate classification (germline): Uncertain significance. Review status: criteria provided, multiple submitters, no conflicts (2 of 4 stars). 2 submissions from 2 submitters: Uncertain significance (2). Last evaluated 2023-11-04.

Conditions:
Cardiovascular phenotype. Identifiers: MedGen CN230736.
Familial hypobetalipoproteinemia 1. Also called: Hypobetalipoproteinemia, normotriglyceridemic; Acanthocytosis with hypobetalipoproteinemia; APOB-Related Familial Hypobetalipoproteinemia. Identifiers: MedGen C4551990, MONDO:0014252, OMIM 615558.
Hypercholesterolemia, autosomal dominant, type B (FHCL2). Also called: Familial Hypercholesterolemia Type B; HYPERCHOLESTEROLEMIA, FAMILIAL, DUE TO LIGAND-DEFECTIVE APOLIPOPROTEIN B; Familial hypercholesterolemia 2; APOB-Related Familial Hypercholesterolemia, Autosomal Dominant; APOLIPOPROTEIN B-100, FAMILIAL DEFECTIVE; APOLIPOPROTEIN B-100, FAMILIAL LIGAND-DEFECTIVE. Identifiers: MedGen C1704417, MONDO:0007751, OMIM 144010.

Allele frequency attached by ClinVar (database versions not stated): TOPMed below 0.00001; ExAC 0.00001; gnomAD 0.00001; gnomAD exomes 0.00001 and 0.00002.
gnomAD v4.1: 29 of 1,614,066 alleles (0.0018%); highest among the groups gnomAD compares: Non-Finnish European, 0.0025%; no homozygotes.

Submissions (2):

Ambry Genetics
Classification: Uncertain significance for Cardiovascular phenotype. Last evaluated: 2023-11-04. Review status: criteria provided, single submitter. Criteria: Ambry Variant Classification Scheme 2023. Collection method: clinical testing. Allele origin: germline.
Comment: The p.L335P variant (also known as c.1004T>C), located in coding exon 9 of the APOB gene, results from a T to C substitution at nucleotide position 1004. The leucine at codon 335 is replaced by proline, an amino acid with similar properties. This amino acid position is conserved. In addition, this alteration is predicted to be deleterious by in silico analysis. Since supporting evidence is limited at this time, the clinical significance of this alteration remains unclear.

Fulgent Genetics
Classification: Uncertain significance for Hypercholesterolemia, autosomal dominant, type B; Familial hypobetalipoproteinemia 1. Last evaluated: 2021-08-05. Review status: criteria provided, single submitter. Criteria: ACMG Guidelines, 2015. Collection method: clinical testing. Allele origin: unknown.